The following is an entry in ClinVar:

NM_003873.7(NRP1):c.1865-1G>T

Gene: NRP1 (neuropilin 1; minus strand). Cytogenetic location: 10p11.22.
Variant type: single nucleotide variant.
Coding change: c.1865-1G>T on transcript NM_003873.7 (MANE Select); the canonical splice acceptor site of the intron before coding-DNA position 1865, G replaced by T.
Molecular consequence: splice acceptor variant.
Genome position (GRCh38, 1-based): chr10:33,197,710, C>A on the plus strand (G>T on the coding strand, the complement: NRP1 is on the minus strand). VCF-style: chr10-33197710-C-A. GRCh37 (hg19) VCF-style: chr10-33486638-C-A.
Other names: c.1844-1G>T (NM_001244973.2, NM_001244972.2); c.1865-1G>T (NM_001330068.2, NM_001024628.3); c.1760-1G>T (NM_001024629.3).
Identifiers: ClinVar variation 3346571 (VCV003346571.1).
Genomic context (GRCh38, chr10:33,197,710, plus strand): 5'-CTGATTGTATGGTGCTGTCTATGACCGTGGGCTTTTCTGTGGCCAGCACAGTGGTGCCAC[C>A]TGAAAAACAAAAACAGGAACATGCAAAAATAAGAAAACAGTAGCGAATATGCAGGAGAAA-3'

ClinVar aggregate classification (germline): Uncertain significance (0 of 4 stars; one submission).

Conditions:
NRP1-related disorder. Also called: NRP1-related condition.

gnomAD v4.1: 6 of 1,583,072 alleles (0.00038%); highest among the groups gnomAD compares: Non-Finnish European, 0.00052%; no homozygotes.

Submission:

PreventionGenetics, part of Exact Sciences
Classification: Uncertain significance for NRP1-related condition. Last evaluated: 2024-05-23. Review status: no assertion criteria provided. Collection method: clinical testing. Allele origin: germline.
Comment: The NRP1 c.1865-1G>T variant is predicted to disrupt the AG splice acceptor site and interfere with normal splicing. This variant is predicted to disrupt a canonical splice acceptor site (Alamut Visual v1.6.1), however such predictions are not equivalent to functional evidence. To our knowledge, this variant has not been reported in the literature or in a large population database, indicating this variant is rare. Although we suspect that this variant may be pathogenic, at this time, the clinical significance of this variant is uncertain due to the absence of conclusive functional and genetic evidence.